The following is an entry in ClinVar:

ClinVar aggregate classification (germline): Uncertain significance (1 of 4 stars; one submission).

Conditions:
Aniridia 1 (AN1). Identifiers: Orphanet 250923, MedGen C0344542, MONDO:0024507, OMIM 106210.
Irido-corneo-trabecular dysgenesis (ASGD5). Also called: ANTERIOR SEGMENT DYSGENESIS 5. Identifiers: Orphanet 708, MedGen C0344559, MONDO:0011414, OMIM 604229, HP:0000659.

Submission:

Labcorp Genetics (formerly Invitae), Labcorp
Classification: Uncertain significance for Aniridia 1; Irido-corneo-trabecular dysgenesis. Last evaluated: 2025-10-16. Review status: criteria provided, single submitter. Criteria: Invitae Variant Classification Sherloc (09022015). Collection method: clinical testing. Allele origin: germline.
Comment: This sequence change replaces serine, which is neutral and polar, with proline, which is neutral and non-polar, at codon 259 of the PAX6 protein (p.Ser259Pro). This variant is not present in population databases (gnomAD no frequency). This variant has not been reported in the literature in individuals affected with PAX6-related conditions. Invitae Evidence Modeling of protein sequence and biophysical properties (such as structural, functional, and spatial information, amino acid conservation, physicochemical variation, residue mobility, and thermodynamic stability) indicates that this missense variant is expected to disrupt PAX6 protein function with a positive predictive value of 80%. In summary, the available evidence is currently insufficient to determine the role of this variant in disease. Therefore, it has been classified as a Variant of Uncertain Significance.

NM_001368894.2(PAX6):c.817T>C (p.Ser273Pro)

Gene: PAX6 (paired box 6; minus strand). Cytogenetic location: 11p13.
Variant type: single nucleotide variant.
Coding change: c.817T>C on transcript NM_001368894.2 (MANE Select); coding-DNA position 817, T replaced by C.
Protein change: p.Ser273Pro; replaces serine 273 with proline.
Molecular consequence: missense variant. On other transcripts: non-coding transcript variant (2).
Genome position (GRCh38, 1-based): chr11:31,793,793, A>G on the plus strand (T>C on the coding strand, the complement: PAX6 is on the minus strand). VCF-style: chr11-31793793-A-G. GRCh37 (hg19) VCF-style: chr11-31815341-A-G.
Other names: c.775T>C, p.Ser259Pro (NM_000280.6, NM_001127612.3, NM_001258464.2 and 10 more transcripts); c.817T>C, p.Ser273Pro (NM_001258462.3, NM_001258463.2, NM_001310158.2 and 6 more transcripts); c.367T>C, p.Ser123Pro (NM_001310160.2, NM_001310161.3, NM_001368899.2 and 11 more transcripts); c.1018T>C, p.Ser340Pro (NM_001368910.2); c.820T>C, p.Ser274Pro (NM_001368911.2); c.892T>C, p.Ser298Pro (NM_001368918.2, NM_001368919.2); c.850T>C, p.Ser284Pro (NM_001368920.2); c.616T>C, p.Ser206Pro (NM_001368921.2, NM_001368922.2, NM_001368923.2 and 4 more transcripts); and 2 more; short protein forms S274P, S298P, S206P, S259P, S340P, S123P, S273P, S58P.
Identifiers: ClinVar variation 4783313 (VCV004783313.1).